The following is an entry in ClinVar:

NM_004415.4(DSP):c.1964T>A (p.Ile655Asn)

Gene: DSP (desmoplakin; plus strand). Cytogenetic location: 6p24.3.
Variant type: single nucleotide variant.
Coding change: c.1964T>A on transcript NM_004415.4 (MANE Select); coding-DNA position 1964, T replaced by A.
Protein change: p.Ile655Asn; replaces isoleucine 655 with asparagine.
Molecular consequence: missense variant.
Genome position (GRCh38, 1-based): chr6:7,571,902, T>A. VCF-style: chr6-7571902-T-A. GRCh37 (hg19) VCF-style: chr6-7572135-T-A.
Other names: c.1964T>A, p.Ile655Asn (NM_001008844.3, NM_001319034.2); short protein forms I655N.
Identifiers: ClinVar variation 2941701 (VCV002941701.4), dbSNP rs2533896429, ClinGen allele CA362680210.

ClinVar aggregate classification (germline): Uncertain significance. Review status: criteria provided, multiple submitters, no conflicts (2 of 4 stars). 2 submissions from 2 submitters: Uncertain significance (2). Last evaluated 2023-10-06.

Conditions:
Cardiovascular phenotype. Identifiers: MedGen CN230736.
Arrhythmogenic cardiomyopathy with wooly hair and keratoderma. Also called: PALMOPLANTAR KERATODERMA WITH LEFT VENTRICULAR CARDIOMYOPATHY AND WOOLLY HAIR; Carvajal syndrome; Dilated cardiomyopathy with woolly hair and keratoderma; Arrhythmogenic cardiomyopathy with woolly hair and keratoderma. Identifiers: Orphanet 65282, MedGen C1854063, MONDO:0011581, OMIM 605676.
Arrhythmogenic right ventricular dysplasia 8 (ARVD8). Also called: Arrhythmogenic Right Ventricular Dysplasia/Cardiomyopathy 8; ARRHYTHMOGENIC RIGHT VENTRICULAR DYSPLASIA, FAMILIAL, 8; ARRHYTHMOGENIC RIGHT VENTRICULAR CARDIOMYOPATHY 8. Identifiers: MedGen C1843896, MONDO:0011831, OMIM 607450.

Submissions (2):

Ambry Genetics
Classification: Uncertain significance for Cardiovascular phenotype. Last evaluated: 2023-10-06. Review status: criteria provided, single submitter. Criteria: Ambry Variant Classification Scheme 2023. Collection method: clinical testing. Allele origin: germline.
Comment: The p.I655N variant (also known as c.1964T>A), located in coding exon 15 of the DSP gene, results from a T to A substitution at nucleotide position 1964. The isoleucine at codon 655 is replaced by asparagine, an amino acid with dissimilar properties. This amino acid position is conserved. In addition, this alteration is predicted to be tolerated by in silico analysis. Since supporting evidence is limited at this time, the clinical significance of this alteration remains unclear.

Labcorp Genetics (formerly Invitae), Labcorp
Classification: Uncertain significance for Arrhythmogenic cardiomyopathy with wooly hair and keratoderma; Arrhythmogenic right ventricular dysplasia 8. Last evaluated: 2022-11-20. Review status: criteria provided, single submitter. Criteria: Invitae Variant Classification Sherloc (09022015). Collection method: clinical testing. Allele origin: germline.
Comment: This variant is not present in population databases (gnomAD no frequency). In summary, the available evidence is currently insufficient to determine the role of this variant in disease. Therefore, it has been classified as a Variant of Uncertain Significance. Algorithms developed to predict the effect of missense changes on protein structure and function are either unavailable or do not agree on the potential impact of this missense change (SIFT: "Deleterious"; PolyPhen-2: "Benign"; Align-GVGD: "Class C0"). This variant has not been reported in the literature in individuals affected with DSP-related conditions. This sequence change replaces isoleucine, which is neutral and non-polar, with asparagine, which is neutral and polar, at codon 655 of the DSP protein (p.Ile655Asn).